The following is an entry in ClinVar:

NM_004727.3(SLC24A1):c.2371G>T (p.Gly791Ter)

Gene: SLC24A1 (solute carrier family 24 member 1; plus strand). Cytogenetic location: 15q22.31.
Variant type: single nucleotide variant.
Coding change: c.2371G>T on transcript NM_004727.3 (MANE Select); coding-DNA position 2371, G replaced by T.
Protein change: p.Gly791Ter; replaces glycine 791 with a stop codon.
Molecular consequence: nonsense.
Genome position (GRCh38, 1-based): chr15:65,650,520, G>T. VCF-style: chr15-65650520-G-T. GRCh37 (hg19) VCF-style: chr15-65942858-G-T.
Other names: c.352G>T, p.Gly118Ter (NM_001254740.2); c.2371G>T, p.Gly791Ter (NM_001301031.1); c.2317G>T, p.Gly773Ter (NM_001301032.1, NM_001301033.2); short protein forms G118*, G773*, G791*.
Identifiers: ClinVar variation 1425174 (VCV001425174.7), dbSNP rs2075459852, ClinGen allele CA392899035.

ClinVar aggregate classification (germline): Pathogenic/Likely pathogenic. Review status: criteria provided, multiple submitters, no conflicts (2 of 4 stars). 2 submissions from 2 submitters: Pathogenic (1); Likely pathogenic (1). Last evaluated 2024-06-30.

Conditions:
SLC24A1-related disorder. Also called: SLC24A1-related condition.

gnomAD v4.1: 4 of 1,551,758 alleles (0.00026%); highest among the groups gnomAD compares: Non-Finnish European, 0.00035%; no homozygotes.

Submissions (2):

Blueprint Genetics
Classification: Likely pathogenic for SLC24A1-related disorders. Last evaluated: 2024-06-30. Review status: criteria provided, single submitter. Criteria: ACMG Guidelines, 2015. Collection method: clinical testing. Allele origin: germline. Affected: yes. Observed: 1 variant allele.

Labcorp Genetics (formerly Invitae), Labcorp
Classification: Pathogenic. Last evaluated: 2020-11-14. Review status: criteria provided, single submitter. Criteria: Invitae Variant Classification Sherloc (09022015). Collection method: clinical testing. Allele origin: germline.
Comment: This variant is not present in population databases (ExAC no frequency). For these reasons, this variant has been classified as Pathogenic. This variant has not been reported in the literature in individuals with SLC24A1-related conditions. This sequence change creates a premature translational stop signal (p.Gly791*) in the SLC24A1 gene. It is expected to result in an absent or disrupted protein product. Loss-of-function variants in SLC24A1 are known to be pathogenic (PMID: 20850105, 26822852).

Literature cited by the submitters: PubMed 20850105 (cited by Labcorp Genetics (formerly Invitae), Labcorp); PubMed 26822852 (cited by Labcorp Genetics (formerly Invitae), Labcorp).